The following is an entry in ClinVar:

ClinVar aggregate classification (germline): Uncertain significance. Review status: criteria provided, multiple submitters, no conflicts (2 of 4 stars). 2 submissions from 2 submitters: Uncertain significance (2). Last evaluated 2026-09-02.

Conditions:
Inborn genetic diseases. Identifiers: MedGen C0950123, MeSH D030342.
ATP6V1B1-related disorder. Also called: ATP6V1B1-related condition.

Submissions (2):

PreventionGenetics, part of Exact Sciences
Classification: Uncertain significance for ATP6V1B1-related condition. Last evaluated: 2026-09-02. Review status: criteria provided, single submitter. Criteria: ACMG Guidelines, 2015. Collection method: clinical testing. Allele origin: germline.
Comment: The ATP6V1B1 c.419T>C variant is predicted to result in the amino acid substitution p.Met140Thr. To our knowledge, this variant has not been reported in the literature. This variant is reported in 0.0062% of alleles in individuals of European (Non-Finnish) descent in gnomAD. At this time, the clinical significance of this variant is uncertain due to the absence of conclusive functional and genetic evidence.

Ambry Genetics
Classification: Uncertain significance for Inborn genetic diseases. Last evaluated: 2025-02-07. Review status: criteria provided, single submitter. Criteria: Ambry Variant Classification Scheme 2023. Collection method: clinical testing. Allele origin: germline.

NM_001692.4(ATP6V1B1):c.419T>C (p.Met140Thr)

Gene: ATP6V1B1 (ATPase H+ transporting V1 subunit B1; plus strand). Cytogenetic location: 2p13.3.
Variant type: single nucleotide variant.
Coding change: c.419T>C on transcript NM_001692.4 (MANE Select); coding-DNA position 419, T replaced by C.
Protein change: p.Met140Thr; replaces methionine 140 with threonine.
Molecular consequence: missense variant.
Genome position (GRCh38, 1-based): chr2:70,959,069, T>C. VCF-style: chr2-70959069-T-C. GRCh37 (hg19) VCF-style: chr2-71186199-T-C.
Other names: short protein forms M140T.
Identifiers: ClinVar variation 3807147 (VCV003807147.2).
Genomic context (GRCh38, chr2:70,959,069, plus strand): 5'-CACCCTCAGGTCGGGTTTTCAATGGCTCCGGCAAGCCCATTGACAAGGGGCCAGTGGTCA[T>C]GGCGGAGGACTTTCTGGATATCAATGGTGAGTGACTGGAGGTTCTGGATGGCTTCGGGAC-3'
Protein context (NP_001683.2, residues 130-150): GKPIDKGPVV[Met140Thr]AEDFLDINGQ